The following is an entry in ClinVar:

ClinVar aggregate classification (germline): Uncertain significance (1 of 4 stars; one submission).

Submission:

GeneDx
Classification: Uncertain significance. Last evaluated: 2023-02-25. Review status: criteria provided, single submitter. Criteria: GeneDx Variant Classification Process June 2021. Collection method: clinical testing. Allele origin: germline. Affected: yes.
Comment: Not observed at significant frequency in large population cohorts (gnomAD); Frameshift variant predicted to result in protein truncation as the last 95 amino acids are replaced with 8 different amino acids, although loss-of-function variants have not been reported downstream of this position in the protein; Has not been previously published as pathogenic or benign to our knowledge

NM_003051.4(SLC16A1):c.1211dup (p.Pro406fs)

Gene: SLC16A1 (solute carrier family 16 member 1; minus strand). Cytogenetic location: 1p13.2.
Variant type: Duplication.
Coding change: c.1211dup on transcript NM_003051.4 (MANE Select); coding-DNA position 1211, one base duplicated (T; older notation c.1211dupT).
Protein change: p.Pro406fs; shifts the reading frame from proline 406.
Molecular consequence: frameshift variant.
Genome position (GRCh38, 1-based): chr1:112,917,195, A duplicated on the plus strand (T on the coding strand, the reverse complement: SLC16A1 is on the minus strand). VCF-style (leftmost placement, unchanged base first): chr1-112917194-C-CA. GRCh37 (hg19) VCF-style: chr1-113459816-C-CA.
Other names: c.1211dup, p.Pro406fs (NM_001166496.2); short protein forms P406fs.
Identifiers: ClinVar variation 2577567 (VCV002577567.1), dbSNP rs2525085719, ClinGen allele CA2574031263.